The following is an entry in ClinVar:

ClinVar aggregate classification (germline): Uncertain significance (1 of 4 stars; one submission).

Conditions:
Cardiomyopathy (CMYO). Also called: Cardiomyopathies. Identifiers: Orphanet 167848, MedGen C0878544, MONDO:0004994, HP:0001638. Inheritance: Various modes of inheritance.

Allele frequency attached by ClinVar (database versions not stated): gnomAD exomes below 0.00001; ExAC 0.00003; ESP Exome Variant Server 0.00008.
gnomAD v4.1: 2 of 1,573,882 alleles (0.00013%); highest among the groups gnomAD compares: Non-Finnish European, 0.00017%; no homozygotes.

Submission:

Color Diagnostics, LLC DBA Color Health
Classification: Uncertain significance for Cardiomyopathy. Last evaluated: 2024-03-07. Review status: criteria provided, single submitter. Criteria: ACMG Guidelines, 2015. Collection method: clinical testing. Allele origin: germline.
Comment: This missense variant replaces phenylalanine with isoleucine at codon 921 of the RYR2 protein. Computational prediction suggests that this variant may have deleterious impact on protein structure and function (internally defined REVEL score threshold >= 0.7, PMID: 27666373). Splice site prediction tools suggest that this variant may not impact RNA splicing. To our knowledge, functional studies have not been performed for this variant. This variant has not been reported in individuals affected with cardiovascular disorders in the literature. This variant has been identified in 1/196646 chromosomes in the general population by the Genome Aggregation Database (gnomAD). The available evidence is insufficient to determine the role of this variant in disease conclusively. Therefore, this variant is classified as a Variant of Uncertain Significance.

NM_001035.3(RYR2):c.2761T>A (p.Phe921Ile)

Gene: RYR2 (ryanodine receptor 2; plus strand). Cytogenetic location: 1q43.
Variant type: single nucleotide variant.
Coding change: c.2761T>A on transcript NM_001035.3 (MANE Select); coding-DNA position 2761, T replaced by A.
Protein change: p.Phe921Ile; replaces phenylalanine 921 with isoleucine.
Molecular consequence: missense variant.
Genome position (GRCh38, 1-based): chr1:237,511,730, T>A. VCF-style: chr1-237511730-T-A. GRCh37 (hg19) VCF-style: chr1-237675030-T-A.
Other names: short protein forms F921I.
Identifiers: ClinVar variation 923070 (VCV000923070.4), dbSNP rs372752031, ClinGen allele CA086192.